The following is an entry in ClinVar:

ClinVar aggregate classification (germline): Uncertain significance (1 of 4 stars; one submission).

Conditions:
Developmental and epileptic encephalopathy, 11 (DEE11). Also called: Early infantile epileptic encephalopathy 11. Identifiers: Orphanet 1934, MedGen C3150987, MONDO:0013388, OMIM 613721.
Seizures, benign familial infantile, 3 (BFIS3). Also called: CONVULSIONS, BENIGN FAMILIAL INFANTILE, 3; Familial neonatal seizures. Identifiers: Orphanet 140927, Orphanet 306, MedGen C1843140, MONDO:0011904, OMIM 607745.

Submission:

Labcorp Genetics (formerly Invitae), Labcorp
Classification: Uncertain significance for Seizures, benign familial infantile, 3; Developmental and epileptic encephalopathy, 11. Last evaluated: 2023-07-10. Review status: criteria provided, single submitter. Criteria: Invitae Variant Classification Sherloc (09022015). Collection method: clinical testing. Allele origin: germline.
Comment: In summary, the available evidence is currently insufficient to determine the role of this variant in disease. Therefore, it has been classified as a Variant of Uncertain Significance. Advanced modeling of protein sequence and biophysical properties (such as structural, functional, and spatial information, amino acid conservation, physicochemical variation, residue mobility, and thermodynamic stability) performed at Invitae indicates that this missense variant is not expected to disrupt SCN2A protein function. ClinVar contains an entry for this variant (Variation ID: 533492). This variant has not been reported in the literature in individuals affected with SCN2A-related conditions. This variant is not present in population databases (gnomAD no frequency). This sequence change replaces methionine, which is neutral and non-polar, with leucine, which is neutral and non-polar, at codon 836 of the SCN2A protein (p.Met836Leu).

NM_001040142.2(SCN2A):c.2506A>T (p.Met836Leu)

Gene: SCN2A (sodium voltage-gated channel alpha subunit 2; plus strand). Cytogenetic location: 2q24.3.
Variant type: single nucleotide variant.
Coding change: c.2506A>T on transcript NM_001040142.2 (MANE Select); coding-DNA position 2506, A replaced by T.
Protein change: p.Met836Leu; replaces methionine 836 with leucine.
Molecular consequence: missense variant.
Genome position (GRCh38, 1-based): chr2:165,342,413, A>T. VCF-style: chr2-165342413-A-T. GRCh37 (hg19) VCF-style: chr2-166198923-A-T.
Other names: c.2506A>T, p.Met836Leu (NM_001040143.2, NM_001371246.1, NM_001371247.1 and 1 more transcripts); short protein forms M836L.
Identifiers: ClinVar variation 533492 (VCV000533492.9), dbSNP rs1553578445, ClinGen allele CA349012754.